The following is an entry in ClinVar:

NM_032131.6(ARMC2):c.1866G>A (p.Pro622=)

Gene: ARMC2 (armadillo repeat containing 2; plus strand). Cytogenetic location: 6q21.
Variant type: single nucleotide variant.
Coding change: c.1866G>A on transcript NM_032131.6 (MANE Select); coding-DNA position 1866, G replaced by A.
Protein change: p.Pro622=; no amino-acid change (proline 622 retained).
Molecular consequence: synonymous variant.
Genome position (GRCh38, 1-based): chr6:108,953,302, G>A. VCF-style: chr6-108953302-G-A. GRCh37 (hg19) VCF-style: chr6-109274505-G-A.
Other names: c.1371G>A, p.Pro457= (NM_001286609.2).
Identifiers: ClinVar variation 3048714 (VCV003048714.2), dbSNP rs199732181, ClinGen allele CA3950037.

ClinVar aggregate classification (germline): Likely benign (0 of 4 stars; one submission).

Conditions:
ARMC2-related disorder. Also called: ARMC2-related condition.

Allele frequency attached by ClinVar (database versions not stated): ESP Exome Variant Server 0.00015; ExAC 0.00016; gnomAD 0.00017; TOPMed 0.00024; 1000 Genomes Project 30x 0.00031; 1000 Genomes Project 0.00040; gnomAD exomes 0.00057.
gnomAD v4.1: 859 of 1,610,424 alleles (0.053%); highest among the groups gnomAD compares: Non-Finnish European, 0.068%; no homozygotes.

Submission:

PreventionGenetics, part of Exact Sciences
Classification: Likely benign for ARMC2-related condition. Last evaluated: 2019-12-09. Review status: no assertion criteria provided. Collection method: clinical testing. Allele origin: germline.
Comment: This variant is classified as likely benign based on ACMG/AMP sequence variant interpretation guidelines (Richards et al. 2015 PMID: 25741868, with internal and published modifications).